The following is an entry in ClinVar:

ClinVar aggregate classification (germline): Pathogenic (0 of 4 stars; one submission).

Conditions:
Hermansky-Pudlak syndrome (HPS). Also called: ALBINISM WITH HEMORRHAGIC DIATHESIS AND PIGMENTED RETICULOENDOTHELIAL CELLS. Identifiers: Orphanet 79430, MedGen C0079504, MONDO:0019312.

Submission:

Laboratoire de Génétique Moléculaire, CHU Bordeaux
Classification: Pathogenic for Hermansky-Pudlak syndrome. Last evaluated: 2020-01-07. Review status: no assertion criteria provided. Collection method: clinical testing. Allele origin: germline. Inheritance: Autosomal recessive inheritance. Affected: yes. Observed: 1 homozygote.
Comment: The patient's platelets displayed an absence of the obligate multi-subunit complex BLOC-1, showing that the identified mutation disrupts BLOC1S5 function and impairs BLOC-1 assembly. Whereas expression of a wild-type BLOC1S5 protein in non-pigmented murine Bloc1s5-/- melan-mu melanocytes rescued pigmentation, the assembly of a functional BLOC-1 complex, and melanosome cargo trafficking, expression of the patient's BLOC1S5 variant allele did not.

GRCh37/hg19 6p24.3(chr6:8023117-8042179)x0

Gene: BLOC1S5 (biogenesis of lysosomal organelles complex 1 subunit 5; minus strand). Cytogenetic location: 6p24.3.
Variant type: copy number loss.
Change: copy number 0 (both copies lost) of chr6:8,023,117-8,042,179 (19.1 kb, GRCh37 coordinates, 1-based), cytogenetic band 6p24.3.
Identifiers: ClinVar variation 813287 (VCV000813287.3).